The following is an entry in ClinVar:

NM_006565.4(CTCF):c.1674T>G (p.Ser558=)

Gene: CTCF (CCCTC-binding factor; plus strand). Cytogenetic location: 16q22.1.
Variant type: single nucleotide variant.
Coding change: c.1674T>G on transcript NM_006565.4 (MANE Select); coding-DNA position 1674, T replaced by G.
Protein change: p.Ser558=; no amino-acid change (serine 558 retained).
Molecular consequence: synonymous variant.
Genome position (GRCh38, 1-based): chr16:67,628,525, T>G. VCF-style: chr16-67628525-T-G. GRCh37 (hg19) VCF-style: chr16-67662428-T-G.
Other names: c.690T>G, p.Ser230= (NM_001191022.2); c.1674T>G, p.Ser558= (NM_001363916.2).
Identifiers: ClinVar variation 3052523 (VCV003052523.2), dbSNP rs774149940, ClinGen allele CA8112739.

ClinVar aggregate classification (germline): Likely benign (0 of 4 stars; one submission).

Conditions:
CTCF-related disorder. Also called: CTCF-related condition. Identifiers: MedGen CN381101.

Allele frequency attached by ClinVar (database versions not stated): TOPMed below 0.00001; gnomAD 0.00002; gnomAD exomes 0.00005; ExAC 0.00013.
gnomAD v4.1: 72 of 1,614,106 alleles (0.0045%); highest among the groups gnomAD compares: South Asian, 0.078%; no homozygotes.

Submission:

PreventionGenetics, part of Exact Sciences
Classification: Likely benign for CTCF-related condition. Last evaluated: 2019-09-05. Review status: no assertion criteria provided. Collection method: clinical testing. Allele origin: germline.
Comment: This variant is classified as likely benign based on ACMG/AMP sequence variant interpretation guidelines (Richards et al. 2015 PMID: 25741868, with internal and published modifications).